The following is an entry in ClinVar:

ClinVar aggregate classification (germline): Uncertain significance (1 of 4 stars; one submission).

Conditions:
Inborn genetic diseases. Identifiers: MedGen C0950123, MeSH D030342.

Submission:

Ambry Genetics
Classification: Uncertain significance for Inborn genetic diseases. Last evaluated: 2024-10-06. Review status: criteria provided, single submitter. Criteria: Ambry Variant Classification Scheme 2023. Collection method: clinical testing. Allele origin: germline.
Comment: The p.A906T variant (also known as c.2716G>A), located in coding exon 21 of the BUB1B gene, results from a G to A substitution at nucleotide position 2716. The alanine at codon 906 is replaced by threonine, an amino acid with similar properties. This amino acid position is conserved. In addition, this alteration is predicted to be tolerated by in silico analysis. Based on the available evidence, the clinical significance of this variant remains unclear.

NM_001211.6(BUB1B):c.2716G>A (p.Ala906Thr)

Genes: BUB1B (BUB1 mitotic checkpoint serine/threonine kinase B; plus strand), BUB1B-PAK6 (BUB1B-PAK6 readthrough; plus strand). Cytogenetic location: 15q15.1.
Variant type: single nucleotide variant.
Coding change: c.2716G>A on transcript NM_001211.6 (MANE Select); coding-DNA position 2716, G replaced by A.
Protein change: p.Ala906Thr; replaces alanine 906 with threonine.
Molecular consequence: missense variant. On other transcripts: 5 prime UTR variant (2).
Genome position (GRCh38, 1-based): chr15:40,217,533, G>A. VCF-style: chr15-40217533-G-A. GRCh37 (hg19) VCF-style: chr15-40509734-G-A.
Other names: c.-335G>A (NM_001128628.3); c.-252G>A (NM_001128629.3); short protein forms A906T.
Identifiers: ClinVar variation 3483211 (VCV003483211.1).